The following is an entry in ClinVar:

NM_000245.4(MET):c.3259G>C (p.Gly1087Arg)

Gene: MET (MET proto-oncogene, receptor tyrosine kinase; plus strand). Cytogenetic location: 7q31.2.
Variant type: single nucleotide variant.
Coding change: c.3259G>C on transcript NM_000245.4 (MANE Select); coding-DNA position 3259, G replaced by C.
Protein change: p.Gly1087Arg; replaces glycine 1087 with arginine.
Molecular consequence: missense variant.
Genome position (GRCh38, 1-based): chr7:116,775,111, G>C. VCF-style: chr7-116775111-G-C. GRCh37 (hg19) VCF-style: chr7-116415165-G-C.
Other names: c.3313G>C, p.Gly1105Arg (NM_001127500.3); c.1969G>C, p.Gly657Arg (NM_001324402.2); short protein forms G1087R, G1105R, G657R.
Identifiers: ClinVar variation 3872383 (VCV003872383.2).
Genomic context (GRCh38, chr7:116,775,111, plus strand): 5'-CAGCATGTAGTGATTGGGCCCAGTAGCCTGATTGTGCATTTCAATGAAGTCATAGGAAGA[G>C]GTAAGTATTTCCACTCAGCTTTTTGTTAAATACGATTTTCCAGTAAGCATTTTATCTTTG-3'
Protein context (NP_000236.2, residues 1077-1097): IVHFNEVIGR[Gly1087Arg]HFGCVYHGTL

ClinVar aggregate classification (germline): Uncertain significance (1 of 4 stars; one submission).

Conditions:
Hereditary cancer-predisposing syndrome. Also called: Hereditary Cancer Syndrome; Hereditary neoplastic syndrome; Neoplastic Syndromes, Hereditary; Tumor predisposition. Identifiers: Orphanet 140162, MedGen C0027672, MeSH D009386, MONDO:0015356.

Submission:

Ambry Genetics
Classification: Uncertain significance for Hereditary cancer-predisposing syndrome. Last evaluated: 2026-07-16. Review status: criteria provided, single submitter. Criteria: Ambry Variant Classification Scheme 2023. Collection method: clinical testing. Allele origin: germline.
Comment: The p.G1105R variant (also known as c.3313G>C), located in coding exon 14 of the MET gene, results from a G to C substitution at nucleotide position 3313. The amino acid change results in glycine to arginine at codon 1105, an amino acid with dissimilar properties. However, this change occurs in the last base pair of coding exon 14, which makes it likely to have some effect on normal mRNA splicing. The nucleotide and amino acid positions are highly conserved in available vertebrate species. In silico splice site analysis predicts that this alteration will not have any significant effect on splicing. In addition, as a missense substitution this alteration is predicted to be deleterious by in silico analysis. Based on the available evidence, the clinical significance of this variant remains unclear.